The following is an entry in ClinVar:

ClinVar aggregate classification (germline): Likely pathogenic (1 of 4 stars; one submission).

Conditions:
Intellectual developmental disorder, autosomal dominant 44, with microcephaly. Also called: TRIO-Related Intellectual Disability; Micrognathia-recurrent infections-behavioral abnormalities-mild intellectual disability syndrome. Identifiers: Orphanet 476126, MedGen C4310740, MONDO:0014892, OMIM 617061.

Submission:

Institute of Human Genetics, University of Leipzig Medical Center
Classification: Likely pathogenic for Intellectual developmental disorder, autosomal dominant 44, with microcephaly. Last evaluated: 2024-03-13. Review status: criteria provided, single submitter. Criteria: ACMG Guidelines, 2015. Collection method: clinical testing. Allele origin: unknown. Inheritance: Autosomal dominant inheritance. Affected: yes.
Comment: Criteria applied: PVS1,PM2_SUP

NM_007118.4(TRIO):c.6083_6084insT (p.Phe2029fs)

Gene: TRIO (trio Rho guanine nucleotide exchange factor; plus strand). Cytogenetic location: 5p15.2.
Variant type: Insertion.
Coding change: c.6083_6084insT on transcript NM_007118.4 (MANE Select); coding-DNA positions 6083 to 6084, T inserted.
Protein change: p.Phe2029fs; shifts the reading frame from phenylalanine 2029.
Molecular consequence: frameshift variant. On other transcripts: non-coding transcript variant (1).
Genome position: GRCh38 VCF-style: chr5-14476893-G-GT. GRCh37 (hg19) VCF-style: chr5-14477002-G-GT.
Other names: c.6084-1_6084insT (NM_007118.4); short protein forms F2029fs.
Identifiers: ClinVar variation 3068459 (VCV003068459.2), dbSNP rs2533602549, ClinGen allele CA2825001411.